The following is an entry in ClinVar:

ClinVar aggregate classification (germline): Uncertain significance (1 of 4 stars; one submission).

Conditions:
Hereditary sensory and autonomic neuropathy type 1 (HSAN1). Also called: HSAN 1; HSN Type I; Hereditary Sensory Neuropathy Type I. Identifiers: Orphanet 36386, MedGen C0020071, MONDO:0018213.

Submission:

Labcorp Genetics (formerly Invitae), Labcorp
Classification: Uncertain significance for Hereditary sensory and autonomic neuropathy type 1. Last evaluated: 2024-06-05. Review status: criteria provided, single submitter. Criteria: Invitae Variant Classification Sherloc (09022015). Collection method: clinical testing. Allele origin: germline.
Comment: This sequence change falls in intron 2 of the SPTLC1 gene. It does not directly change the encoded amino acid sequence of the SPTLC1 protein. It affects a nucleotide within the consensus splice site. This variant is not present in population databases (gnomAD no frequency). This variant has not been reported in the literature in individuals affected with SPTLC1-related conditions. Variants that disrupt the consensus splice site are a relatively common cause of aberrant splicing (PMID: 17576681, 9536098). Algorithms developed to predict the effect of sequence changes on RNA splicing suggest that this variant is not likely to affect RNA splicing. In summary, the available evidence is currently insufficient to determine the role of this variant in disease. Therefore, it has been classified as a Variant of Uncertain Significance.

Literature cited by the submitters: PubMed 17576681; PubMed 9536098.

NM_006415.4(SPTLC1):c.165+6A>G

Gene: SPTLC1 (serine palmitoyltransferase long chain base subunit 1; minus strand). Cytogenetic location: 9q22.31.
Variant type: single nucleotide variant.
Coding change: c.165+6A>G on transcript NM_006415.4 (MANE Select); 6 bases into the intron after coding-DNA position 165, A replaced by G.
Molecular consequence: intron variant.
Genome position (GRCh38, 1-based): chr9:92,112,449, T>C on the plus strand (A>G on the coding strand, the complement: SPTLC1 is on the minus strand). VCF-style: chr9-92112449-T-C. GRCh37 (hg19) VCF-style: chr9-94874731-T-C.
Other names: c.165+6A>G (NM_001281303.2, NM_178324.3); c.-335+6A>G (NM_001368272.1); c.-301+6A>G (NM_001368273.1).
Identifiers: ClinVar variation 3655044 (VCV003655044.2).